The following is an entry in ClinVar:

ClinVar aggregate classification (germline): Uncertain significance (1 of 4 stars; one submission).

Conditions:
Hereditary cancer-predisposing syndrome. Also called: Neoplastic Syndromes, Hereditary; Tumor predisposition; Hereditary neoplastic syndrome; Hereditary Cancer Syndrome. Identifiers: Orphanet 140162, MedGen C0027672, MeSH D009386, MONDO:0015356.

Submission:

Ambry Genetics
Classification: Uncertain significance for Hereditary cancer-predisposing syndrome. Last evaluated: 2023-11-17. Review status: criteria provided, single submitter. Criteria: Ambry Variant Classification Scheme 2023. Collection method: clinical testing. Allele origin: germline.
Comment: The p.N158D variant (also known as c.472A>G), located in coding exon 6 of the BRCA1 gene, results from an A to G substitution at nucleotide position 472. The asparagine at codon 158 is replaced by aspartic acid, an amino acid with highly similar properties. This amino acid position is well conserved in available vertebrate species. In addition, the in silico prediction for this alteration is inconclusive. Since supporting evidence is limited at this time, the clinical significance of this alteration remains unclear.

NM_007294.4(BRCA1):c.472A>G (p.Asn158Asp)

Gene: BRCA1 (BRCA1 DNA repair associated; minus strand). Cytogenetic location: 17q21.31.
Variant type: single nucleotide variant.
Coding change: c.472A>G on transcript NM_007294.4 (MANE Select); coding-DNA position 472, A replaced by G.
Protein change: p.Asn158Asp; replaces asparagine 158 with aspartic acid.
Molecular consequence: missense variant. On other transcripts: intron variant (2).
Genome position (GRCh38, 1-based): chr17:43,099,850, T>C on the plus strand (A>G on the coding strand, the complement: BRCA1 is on the minus strand). VCF-style: chr17-43099850-T-C. GRCh37 (hg19) VCF-style: chr17-41251867-T-C.
Other names: c.259A>G, p.Asn87Asp (NM_001407571.1, NM_001407853.1, NM_001407894.1 and 18 more transcripts); c.472A>G, p.Asn158Asp (NM_001407581.1, NM_001407582.1, NM_001407583.1 and 97 more transcripts); c.469A>G, p.Asn157Asp (NM_001407587.1, NM_001407590.1, NM_001407591.1 and 65 more transcripts); c.463A>G, p.Asn155Asp (NM_001407646.1, NM_001407647.1, NM_001408408.1); c.394A>G, p.Asn132Asp (NM_001407653.1, NM_001407654.1, NM_001407655.1 and 12 more transcripts); c.391A>G, p.Asn131Asp (NM_001407659.1, NM_001407660.1, NM_001407661.1 and 6 more transcripts); c.331A>G, p.Asn111Asp (NM_001407692.1, NM_001407694.1, NM_001407695.1 and 61 more transcripts); c.328A>G, p.Asn110Asp (NM_001407740.1, NM_001407741.1, NM_001407742.1 and 35 more transcripts); and 5 more; short protein forms N110D, N111D, N113D, N131D, N132D, N155D, N157D, N158D.
Identifiers: ClinVar variation 3226163 (VCV003226163.1), dbSNP rs397509192, ClinGen allele CA10601195.